The following is an entry in ClinVar:

NM_005548.3(KARS1):c.63-2700G>T

Gene: KARS1 (lysyl-tRNA synthetase 1; minus strand). Cytogenetic location: 16q23.1.
Variant type: single nucleotide variant.
Coding change: c.63-2700G>T on transcript NM_005548.3 (MANE Select); 2700 bases into the intron before coding-DNA position 63, G replaced by T.
Molecular consequence: intron variant. On other transcripts: missense variant (1).
Genome position (GRCh38, 1-based): chr16:75,644,423, C>A on the plus strand (G>T on the coding strand, the complement: KARS1 is on the minus strand). VCF-style: chr16-75644423-C-A. GRCh37 (hg19) VCF-style: chr16-75678321-C-A.
Other names: c.6G>T, p.Leu2Phe (NM_001130089.2); c.-406-2700G>T (NM_001378148.1); short protein forms L2F.
Identifiers: ClinVar variation 2646881 (VCV002646881.25), dbSNP rs373980534, ClinGen allele CA8177820.
Genomic context (GRCh38, chr16:75,644,423, plus strand): 5'-CCACTCTGCCCAGGAGGTTTTGCGCAGGGACCCCCTAACAAGCCTTACAGCAGCTTGCGT[C>A]AACATGGCAGAGCACCCTGGAACTAATGATTACCACCACCTAGCGGGAAACACAGAGATG-3'

ClinVar aggregate classification (germline): Uncertain significance. Review status: criteria provided, multiple submitters, no conflicts (2 of 4 stars). 2 submissions from 2 submitters: Uncertain significance (2). Last evaluated 2023-01-01.

gnomAD v4.1: 62 of 1,610,566 alleles (0.0038%); highest among the groups gnomAD compares: Non-Finnish European, 0.0048%; no homozygotes.

Submissions (2):

CeGaT Center for Human Genetics Tuebingen
Classification: Uncertain significance. Last evaluated: 2023-01-01. Review status: criteria provided, single submitter. Criteria: CeGaT Center For Human Genetics Tuebingen Variant Classification Criteria Version 2. Collection method: clinical testing. Allele origin: germline. Affected: yes. Observed: 1 variant allele.
Comment: KARS1: PM2

Ambry Genetics
Classification: Uncertain significance. Last evaluated: 2021-12-06. Review status: criteria provided, single submitter. Criteria: Ambry Variant Classification Scheme 2023. Collection method: clinical testing. Allele origin: germline.
Comment: The c.6G>T (p.L2F) alteration is located in exon 2 (coding exon 1) of the KARS gene. This alteration results from a G to T substitution at nucleotide position 6, causing the leucine (L) at amino acid position 2 to be replaced by a phenylalanine (F). The p.L2F alteration is predicted to be tolerated by in silico analysis. Based on insufficient or conflicting evidence, the clinical significance of this alteration remains unclear.